The following is an entry in ClinVar:

ClinVar aggregate classification (germline): Uncertain significance (1 of 4 stars; one submission).

Submission:

Labcorp Genetics (formerly Invitae), Labcorp
Classification: Uncertain significance. Last evaluated: 2024-10-14. Review status: criteria provided, single submitter. Criteria: Invitae Variant Classification Sherloc (09022015). Collection method: clinical testing. Allele origin: germline.
Comment: This sequence change replaces leucine, which is neutral and non-polar, with methionine, which is neutral and non-polar, at codon 376 of the KCNV2 protein (p.Leu376Met). This variant is not present in population databases (gnomAD no frequency). This variant has not been reported in the literature in individuals affected with KCNV2-related conditions. ClinVar contains an entry for this variant (Variation ID: 939830). Invitae Evidence Modeling of protein sequence and biophysical properties (such as structural, functional, and spatial information, amino acid conservation, physicochemical variation, residue mobility, and thermodynamic stability) indicates that this missense variant is expected to disrupt KCNV2 protein function with a positive predictive value of 95%. In summary, the available evidence is currently insufficient to determine the role of this variant in disease. Therefore, it has been classified as a Variant of Uncertain Significance.

NM_133497.4(KCNV2):c.1126T>A (p.Leu376Met)

Gene: KCNV2 (potassium voltage-gated channel modifier subfamily V member 2; plus strand). Cytogenetic location: 9p24.2.
Variant type: single nucleotide variant.
Coding change: c.1126T>A on transcript NM_133497.4 (MANE Select); coding-DNA position 1126, T replaced by A.
Protein change: p.Leu376Met; replaces leucine 376 with methionine.
Molecular consequence: missense variant.
Genome position (GRCh38, 1-based): chr9:2,718,865, T>A. VCF-style: chr9-2718865-T-A. GRCh37 (hg19) VCF-style: chr9-2718865-T-A.
Other names: short protein forms L376M.
Identifiers: ClinVar variation 939830 (VCV000939830.9), dbSNP rs1819805245, ClinGen allele CA372802034.